The following is an entry in ClinVar:

ClinVar aggregate classification (germline): Uncertain significance (1 of 4 stars; one submission).

Conditions:
Autosomal dominant childhood-onset proximal spinal muscular atrophy with contractures (SMALED2A). Also called: SPINAL MUSCULAR ATROPHY, LOWER EXTREMITY-PREDOMINANT, 2A, CHILDHOOD ONSET, AUTOSOMAL DOMINANT; Spinal muscular atrophy, lower extremity-predominant, 2A, autosomal dominant. Identifiers: Orphanet 363447, Orphanet 363454, MedGen C4747715, MONDO:0014121, OMIM 615290.

Allele frequency attached by ClinVar (database versions not stated): ExAC 0.00001; gnomAD 0.00001; gnomAD exomes 0.00001; TOPMed 0.00002.
gnomAD v4.1: 14 of 1,613,852 alleles (0.00087%); highest among the groups gnomAD compares: African/African-American, 0.0053%; no homozygotes.

Submission:

Labcorp Genetics (formerly Invitae), Labcorp
Classification: Uncertain significance for Autosomal dominant childhood-onset proximal spinal muscular atrophy with contractures. Last evaluated: 2024-07-22. Review status: criteria provided, single submitter. Criteria: Invitae Variant Classification Sherloc (09022015). Collection method: clinical testing. Allele origin: germline.
Comment: This sequence change replaces glutamic acid, which is acidic and polar, with lysine, which is basic and polar, at codon 448 of the BICD2 protein (p.Glu448Lys). This variant is present in population databases (rs765057014, gnomAD 0.003%). This variant has not been reported in the literature in individuals affected with BICD2-related conditions. ClinVar contains an entry for this variant (Variation ID: 2140363). Advanced modeling of protein sequence and biophysical properties (such as structural, functional, and spatial information, amino acid conservation, physicochemical variation, residue mobility, and thermodynamic stability) performed at Invitae indicates that this missense variant is not expected to disrupt BICD2 protein function with a negative predictive value of 80%. In summary, the available evidence is currently insufficient to determine the role of this variant in disease. Therefore, it has been classified as a Variant of Uncertain Significance.

NM_001003800.2(BICD2):c.1342G>A (p.Glu448Lys)

Gene: BICD2 (BICD cargo adaptor 2; minus strand). Cytogenetic location: 9q22.31.
Variant type: single nucleotide variant.
Coding change: c.1342G>A on transcript NM_001003800.2 (MANE Select); coding-DNA position 1342, G replaced by A.
Protein change: p.Glu448Lys; replaces glutamic acid 448 with lysine.
Molecular consequence: missense variant.
Genome position (GRCh38, 1-based): chr9:92,719,303, C>T on the plus strand (G>A on the coding strand, the complement: BICD2 is on the minus strand). VCF-style: chr9-92719303-C-T. GRCh37 (hg19) VCF-style: chr9-95481585-C-T.
Other names: c.1342G>A, p.Glu448Lys (NM_015250.4); short protein forms E448K.
Identifiers: ClinVar variation 2140363 (VCV002140363.4), dbSNP rs765057014, ClinGen allele CA5126583.